The following is an entry in ClinVar:

NM_017570.5(OPLAH):c.3462-2A>T

Gene: OPLAH (5-oxoprolinase, ATP-hydrolysing; minus strand). Cytogenetic location: 8q24.3.
Variant type: single nucleotide variant.
Coding change: c.3462-2A>T on transcript NM_017570.5 (MANE Select); the canonical splice acceptor site of the intron before coding-DNA position 3462, A replaced by T.
Molecular consequence: splice acceptor variant.
Genome position (GRCh38, 1-based): chr8:144,052,078, T>A on the plus strand (A>T on the coding strand, the complement: OPLAH is on the minus strand). VCF-style: chr8-144052078-T-A. GRCh37 (hg19) VCF-style: chr8-145106981-T-A.
Identifiers: ClinVar variation 5007280 (VCV005007280.2).

ClinVar aggregate classification (germline): Likely pathogenic (1 of 4 stars; one submission).

Conditions:
5-Oxoprolinase deficiency (OPLAHD). Also called: 5-OXOPROLINURIA DUE TO 5-OXOPROLINASE DEFICIENCY. Identifiers: Orphanet 33572, MedGen C0268525, MONDO:0009825, OMIM 260005, HP:0040142.

Submission:

Juno Genomics, Hangzhou Juno Genomics, Inc
Classification: Likely pathogenic for 5-Oxoprolinase deficiency. Review status: criteria provided, single submitter. Criteria: ACMG Guidelines, 2015. Collection method: clinical testing. Allele origin: germline.
Comment: Null variant in a gene where loss of function (LOF) is a known mechanism of disease.;Absent from controls (or at extremely low frequency if recessive) in Genome Aggregation Database.